The following is an entry in ClinVar:

ClinVar aggregate classification (germline): Uncertain significance (1 of 4 stars; one submission).

Conditions:
Cardiovascular phenotype. Identifiers: MedGen CN230736.
Hereditary cancer-predisposing syndrome. Also called: Hereditary Cancer Syndrome; Hereditary neoplastic syndrome; Neoplastic Syndromes, Hereditary; Tumor predisposition. Identifiers: Orphanet 140162, MedGen C0027672, MeSH D009386, MONDO:0015356.

Submission:

Ambry Genetics
Classification: Uncertain significance for Cardiovascular phenotype; Hereditary cancer-predisposing syndrome. Last evaluated: 2021-01-14. Review status: criteria provided, single submitter. Criteria: Ambry Variant Classification Scheme 2023. Collection method: clinical testing. Allele origin: germline.
Comment: The p.E515V variant (also known as c.1544A>T), located in coding exon 14 of the LZTR1 gene, results from an A to T substitution at nucleotide position 1544. The glutamic acid at codon 515 is replaced by valine, an amino acid with dissimilar properties. This amino acid position is well conserved in available vertebrate species. In addition, the in silico prediction for this alteration is inconclusive. Since supporting evidence is limited at this time, the clinical significance of this alteration remains unclear.

NM_006767.4(LZTR1):c.1544A>T (p.Glu515Val)

Gene: LZTR1 (leucine zipper like post translational regulator 1; plus strand). Cytogenetic location: 22q11.21.
Variant type: single nucleotide variant.
Coding change: c.1544A>T on transcript NM_006767.4 (MANE Select); coding-DNA position 1544, A replaced by T.
Protein change: p.Glu515Val; replaces glutamic acid 515 with valine.
Molecular consequence: missense variant.
Genome position (GRCh38, 1-based): chr22:20,994,198, A>T. VCF-style: chr22-20994198-A-T. GRCh37 (hg19) VCF-style: chr22-21348487-A-T.
Other names: short protein forms E515V.
Identifiers: ClinVar variation 1774900 (VCV001774900.2), dbSNP rs2518620983, ClinGen allele CA410775851.